The following is an entry in ClinVar:

NM_000489.6(ATRX):c.6254G>T (p.Arg2085Leu)

Gene: ATRX (ATRX chromatin remodeler; minus strand). Cytogenetic location: Xq21.1.
Variant type: single nucleotide variant.
Coding change: c.6254G>T on transcript NM_000489.6 (MANE Select); coding-DNA position 6254, G replaced by T.
Protein change: p.Arg2085Leu; replaces arginine 2085 with leucine.
Molecular consequence: missense variant.
Genome position (GRCh38, 1-based): chrX:77,574,322, C>A on the plus strand (G>T on the coding strand, the complement: ATRX is on the minus strand). VCF-style: chrX-77574322-C-A. GRCh37 (hg19) VCF-style: chrX-76829787-C-A.
Other names: c.6140G>T, p.Arg2047Leu (NM_138270.5); short protein forms R2085L, R2047L.
Identifiers: ClinVar variation 635054 (VCV000635054.1), dbSNP rs1057517948, ClinGen allele CA413701166.

ClinVar aggregate classification (germline): Likely pathogenic (1 of 4 stars; one submission).

Conditions:
Intellectual disability-hypotonic facies syndrome, X-linked, 1 (MRXHF1). Also called: Carpenter-Waziri syndrome; X-linked intellectual disability-hypotonic face syndrome; Smith Fineman Myers syndrome 1; HOLMES-GANG SYNDROME; XLMR-HYPOTONIC FACIES SYNDROME; CHUDLEY-LOWRY SYNDROME. Identifiers: Orphanet 73220, Orphanet 93970, Orphanet 93971, Orphanet 93972, Orphanet 93973, Orphanet 93974, Orphanet 93975, MedGen C4759781, MONDO:0010663, OMIM 309580.

Submission:

Broad Center for Mendelian Genomics, Broad Institute of MIT and Harvard
Classification: Likely pathogenic for Intellectual disability-hypotonic facies syndrome, X-linked, 1. Last evaluated: 2018-06-15. Review status: criteria provided, single submitter. Criteria: ACMG Guidelines, 2015. Collection method: research. Allele origin: germline. Inheritance: X-linked inheritance. Affected: yes. Observed: 1 hemizygote.
Comment: Trio exome analysis showed this variant to be de novo. This variant was absent from large population studies. The Arginine (Arg) at position 2085 is highly conserved in mammals and evolutionarily distant species, supporting that a change at this position may not be tolerated. In summary, although additional studies are required to fully establish its pathogenicity, this variant is likely pathogenic.